The following is an entry in ClinVar:

NM_001005498.4(RHBDF2):c.853G>A (p.Ala285Thr)

Gene: RHBDF2 (rhomboid 5 homolog 2; minus strand). Cytogenetic location: 17q25.1.
Variant type: single nucleotide variant.
Coding change: c.853G>A on transcript NM_001005498.4 (MANE Select); coding-DNA position 853, G replaced by A.
Protein change: p.Ala285Thr; replaces alanine 285 with threonine.
Molecular consequence: missense variant. On other transcripts: non-coding transcript variant (3).
Genome position (GRCh38, 1-based): chr17:76,477,247, C>T on the plus strand (G>A on the coding strand, the complement: RHBDF2 is on the minus strand). VCF-style: chr17-76477247-C-T. GRCh37 (hg19) VCF-style: chr17-74473329-C-T.
Other names: c.853G>A, p.Ala285Thr (NM_001376228.1, NM_001376229.1, NM_001376230.1); c.940G>A, p.Ala314Thr (NM_024599.5); short protein forms A314T, A285T.
Identifiers: ClinVar variation 888759 (VCV000888759.13), dbSNP rs140433374, ClinGen allele CA8787202.

ClinVar aggregate classification (germline): Conflicting classifications of pathogenicity. Review status: criteria provided, conflicting classifications (1 of 4 stars). 4 submissions from 4 submitters: Uncertain significance (1); Benign (1); Likely benign (2). Last evaluated 2025-12-10.

Conditions:
Palmoplantar keratoderma-esophageal carcinoma syndrome (TOC). Also called: Tylosis with Esophageal Cancer; KERATOSIS PALMARIS ET PLANTARIS WITH ESOPHAGEAL CANCER; PALMOPLANTAR KERATODERMA WITH ESOPHAGEAL CANCER. Identifiers: Orphanet 2198, MedGen C1835664, MONDO:0007856, OMIM 148500.

Allele frequency attached by ClinVar (database versions not stated): 1000 Genomes Project 30x 0.00016; 1000 Genomes Project 0.00020; gnomAD 0.00052 and 0.00053; TOPMed 0.00058; ESP Exome Variant Server 0.00069; gnomAD exomes 0.00079 and 0.00088; ExAC 0.00084.

Submissions (4):

Labcorp Genetics (formerly Invitae), Labcorp
Classification: Likely benign. Last evaluated: 2025-12-10. Review status: criteria provided, single submitter. Criteria: Invitae Variant Classification Sherloc (09022015). Collection method: clinical testing. Allele origin: germline.

Blueprint Genetics
Classification: Likely benign. Last evaluated: 2024-10-15. Review status: criteria provided, single submitter. Criteria: ACMG Guidelines, 2015. Collection method: clinical testing. Allele origin: germline.

Institute for Clinical Genetics, University Hospital TU Dresden, University Hospital TU Dresden
Classification: Uncertain significance. Last evaluated: 2021-11-03. Review status: criteria provided, single submitter. Criteria: ACMG Guidelines, 2015. Collection method: clinical testing. Allele origin: germline.

Illumina Laboratory Services, Illumina
Classification: Benign for Palmoplantar keratoderma-esophageal carcinoma syndrome. Last evaluated: 2018-01-13. Review status: criteria provided, single submitter. Criteria: ICSL Variant Classification Criteria 13 December 2019. Collection method: clinical testing. Allele origin: germline.
Comment: This variant was observed in the ICSL laboratory as part of a predisposition screen in an ostensibly healthy population. It had not been previously curated by ICSL or reported in the Human Gene Mutation Database (HGMD: prior to June 1st, 2018), and was therefore a candidate for classification through an automated scoring system. Utilizing variant allele frequency, disease prevalence and penetrance estimates, and inheritance mode, an automated score was calculated to assess if this variant is too frequent to cause the disease. Based on the score and internal cut-off values, a variant classified as benign is not then subjected to further curation. The score for this variant resulted in a classification of benign for this disease.